The following is an entry in ClinVar:

NM_001354930.2(RIPK1):c.993C>A (p.Ser331Arg)

Gene: RIPK1 (receptor interacting serine/threonine kinase 1; plus strand). Cytogenetic location: 6p25.2.
Variant type: single nucleotide variant.
Coding change: c.993C>A on transcript NM_001354930.2 (MANE Select); coding-DNA position 993, C replaced by A.
Protein change: p.Ser331Arg; replaces serine 331 with arginine.
Molecular consequence: missense variant.
Genome position (GRCh38, 1-based): chr6:3,104,302, C>A. VCF-style: chr6-3104302-C-A. GRCh37 (hg19) VCF-style: chr6-3104536-C-A.
Other names: c.504C>A, p.Ser168Arg (NM_001317061.3, NM_001354932.2, NM_001354933.2 and 1 more transcripts); c.855C>A, p.Ser285Arg (NM_001354931.2); c.993C>A, p.Ser331Arg (NM_003804.6); short protein forms S168R, S331R, S285R.
Identifiers: ClinVar variation 1980129 (VCV001980129.28), dbSNP rs2533332399, ClinGen allele CA362570291.

ClinVar aggregate classification (germline): Uncertain significance. Review status: criteria provided, multiple submitters, no conflicts (2 of 4 stars). 2 submissions from 2 submitters: Uncertain significance (2). Last evaluated 2024-02-24.

Allele frequency attached by ClinVar (database versions not stated): gnomAD exomes below 0.00001.
gnomAD v4.1: 2 of 1,579,374 alleles (0.00013%); highest among the groups gnomAD compares: Non-Finnish European, 0.000087%; no homozygotes.

Submissions (2):

Labcorp Genetics (formerly Invitae), Labcorp
Classification: Uncertain significance. Last evaluated: 2024-02-24. Review status: criteria provided, single submitter. Criteria: Invitae Variant Classification Sherloc (09022015). Collection method: clinical testing. Allele origin: germline.
Comment: This sequence change replaces serine, which is neutral and polar, with arginine, which is basic and polar, at codon 331 of the RIPK1 protein (p.Ser331Arg). This variant is not present in population databases (gnomAD no frequency). This variant has not been reported in the literature in individuals affected with RIPK1-related conditions. ClinVar contains an entry for this variant (Variation ID: 1980129). An algorithm developed to predict the effect of missense changes on protein structure and function (PolyPhen-2) suggests that this variant is likely to be disruptive. In summary, the available evidence is currently insufficient to determine the role of this variant in disease. Therefore, it has been classified as a Variant of Uncertain Significance.

CeGaT Center for Human Genetics Tuebingen
Classification: Uncertain significance. Last evaluated: 2022-04-01. Review status: criteria provided, single submitter. Criteria: CeGaT Center For Human Genetics Tuebingen Variant Classification Criteria Version 2. Collection method: clinical testing. Allele origin: germline. Affected: yes. Observed: 1 variant allele.
Comment: RIPK1: PM2